The following is an entry in ClinVar:

ClinVar aggregate classification (germline): Uncertain significance. Review status: criteria provided, multiple submitters, no conflicts (2 of 4 stars). 3 submissions from 3 submitters: Uncertain significance (3). Last evaluated 2026-07-02.

Conditions:
Tuberous sclerosis 2 (TSC2). Identifiers: Orphanet 805, MedGen C1860707, MONDO:0013199, OMIM 613254.
Hereditary cancer-predisposing syndrome. Also called: Hereditary Cancer Syndrome; Hereditary neoplastic syndrome; Neoplastic Syndromes, Hereditary; Tumor predisposition. Identifiers: Orphanet 140162, MedGen C0027672, MeSH D009386, MONDO:0015356.

Submissions (3):

Ambry Genetics
Classification: Uncertain significance for Hereditary cancer-predisposing syndrome. Last evaluated: 2026-07-02. Review status: criteria provided, single submitter. Criteria: Ambry Variant Classification Scheme 2023. Collection method: clinical testing. Allele origin: germline.
Comment: The p.L888M variant (also known as c.2662C>A), located in coding exon 23 of the TSC2 gene, results from a C to A substitution at nucleotide position 2662. The leucine at codon 888 is replaced by methionine, an amino acid with highly similar properties. This amino acid position is highly conserved in available vertebrate species. In addition, this alteration is predicted to be deleterious by in silico analysis. Based on the available evidence, the clinical significance of this variant remains unclear.

Labcorp Genetics (formerly Invitae), Labcorp
Classification: Uncertain significance for Tuberous sclerosis 2. Last evaluated: 2026-01-19. Review status: criteria provided, single submitter. Criteria: Invitae Variant Classification Sherloc (09022015). Collection method: clinical testing. Allele origin: germline.
Comment: This sequence change replaces leucine, which is neutral and non-polar, with methionine, which is neutral and non-polar, at codon 888 of the TSC2 protein (p.Leu888Met). This variant is not present in population databases (gnomAD no frequency). This variant has not been reported in the literature in individuals affected with TSC2-related conditions. ClinVar contains an entry for this variant (Variation ID: 2450000). Invitae Evidence Modeling of protein sequence and biophysical properties (such as structural, functional, and spatial information, amino acid conservation, physicochemical variation, residue mobility, and thermodynamic stability) indicates that this missense variant is not expected to disrupt TSC2 protein function with a negative predictive value of 95%. In summary, the available evidence is currently insufficient to determine the role of this variant in disease. Therefore, it has been classified as a Variant of Uncertain Significance.

GeneDx
Classification: Uncertain significance. Last evaluated: 2024-12-22. Review status: criteria provided, single submitter. Criteria: GeneDx Variant Classification Process June 2021. Collection method: clinical testing. Allele origin: germline. Affected: yes.
Comment: Not observed at significant frequency in large population cohorts (gnomAD); In silico analysis indicates that this missense variant does not alter protein structure/function; Has not been previously published as pathogenic or benign to our knowledge

NM_000548.5(TSC2):c.2662C>A (p.Leu888Met)

Gene: TSC2 (TSC complex subunit 2; plus strand). Cytogenetic location: 16p13.3.
Variant type: single nucleotide variant.
Coding change: c.2662C>A on transcript NM_000548.5 (MANE Select); coding-DNA position 2662, C replaced by A.
Protein change: p.Leu888Met; replaces leucine 888 with methionine.
Molecular consequence: missense variant. On other transcripts: non-coding transcript variant (5).
Genome position (GRCh38, 1-based): chr16:2,076,090, C>A. VCF-style: chr16-2076090-C-A. GRCh37 (hg19) VCF-style: chr16-2126091-C-A.
Other names: c.2662C>A, p.Leu888Met (NM_001077183.3, NM_001114382.3, NM_001363528.2 and 6 more transcripts); c.2551C>A, p.Leu851Met (NM_001318827.2, NM_001406670.1, NM_001406678.1); c.2515C>A, p.Leu839Met (NM_001318829.2, NM_001406675.1, NM_001406676.1 and 1 more transcripts); c.2062C>A, p.Leu688Met (NM_001318831.2, NM_001406680.1, NM_001406682.1 and 6 more transcripts); c.2695C>A, p.Leu899Met (NM_001318832.2); c.2752C>A, p.Leu918Met (NM_001406667.1, NM_001406668.1); c.2650C>A, p.Leu884Met (NM_001406671.1, NM_001406673.1); c.2605C>A, p.Leu869Met (NM_001406677.1); and 3 more; short protein forms L354M, L851M, L884M, L839M, L869M, L888M, L899M, L688M.
Identifiers: ClinVar variation 2450000 (VCV002450000.7), dbSNP rs765057258, ClinGen allele CA394279247.